The following is an entry in ClinVar:

NM_001267550.2(TTN):c.73994C>T (p.Thr24665Met)

Genes: TTN (titin; minus strand), TTN-AS1 (TTN antisense RNA 1; plus strand). Cytogenetic location: 2q31.2.
Variant type: single nucleotide variant.
Coding change: c.73994C>T on transcript NM_001267550.2 (MANE Select); coding-DNA position 73994, C replaced by T.
Protein change: p.Thr24665Met; replaces threonine 24665 with methionine.
Molecular consequence: missense variant.
Genome position (GRCh38, 1-based): chr2:178,572,138, G>A on the plus strand (C>T on the coding strand, the complement: TTN is on the minus strand). VCF-style: chr2-178572138-G-A. GRCh37 (hg19) VCF-style: chr2-179436865-G-A.
Other names: c.69071C>T, p.Thr23024Met (NM_001256850.1); c.46799C>T, p.Thr15600Met (NM_003319.4); c.47174C>T, p.Thr15725Met (NM_133432.3); c.47375C>T, p.Thr15792Met (NM_133437.4); c.66290C>T, p.Thr22097Met (NM_133378.4); short protein forms T22097M, T24665M, T23024M, T15600M, T15792M, T15725M.
Identifiers: ClinVar variation 212479 (VCV000212479.23), dbSNP rs144398602, ClinGen allele CA206721.

ClinVar aggregate classification (germline): Conflicting classifications of pathogenicity. Review status: criteria provided, conflicting classifications (1 of 4 stars). 9 submissions from 9 submitters: Uncertain significance (5); Likely benign (4). Last evaluated 2026-09-10.

Conditions:
TTN-related disorder. Also called: TTN-related disorders; TTN-related condition; TTN-related disease.
Cardiomyopathy (CMYO). Also called: Cardiomyopathies. Identifiers: Orphanet 167848, MedGen C0878544, MONDO:0004994, HP:0001638. Inheritance: Various modes of inheritance.
Cardiovascular phenotype. Identifiers: MedGen CN230736.

Allele frequency attached by ClinVar (database versions not stated): gnomAD 0.00007 and 0.00011; ESP Exome Variant Server 0.00008; TOPMed 0.00009; gnomAD exomes 0.00010 and 0.00013; ExAC 0.00015; 1000 Genomes Project 30x 0.00047; 1000 Genomes Project 0.00060.
gnomAD v4.1: 164 of 1,613,324 alleles (0.01%); highest among the groups gnomAD compares: East Asian, 0.089%; 1 homozygote.

Submissions (9):

PreventionGenetics, part of Exact Sciences
Classification: Uncertain significance for TTN-related condition. Last evaluated: 2026-09-10. Review status: criteria provided, single submitter. Criteria: ACMG Guidelines, 2015. Collection method: clinical testing. Allele origin: germline.
Comment: The TTN c.73994C>T variant is predicted to result in the amino acid substitution p.Thr24665Met. This variant has been reported as a variant of uncertain significance in a pediatric dilated cardiomyopathy cohort (Table S2, van der Meulen et al. 2022. PubMed ID: 36178741). This variant is reported in 0.041% of alleles in individuals of East Asian descent in gnomAD. Although we suspect that this variant may be benign, at this time, the clinical significance of this variant is uncertain due to the absence of conclusive functional and genetic evidence.

CeGaT Center for Human Genetics Tuebingen
Classification: Likely benign. Last evaluated: 2026-08-01. Review status: criteria provided, single submitter. Criteria: CeGaT Center For Human Genetics Tuebingen Variant Classification Criteria Version 2. Collection method: clinical testing. Allele origin: germline. Affected: yes. Observed: 1 variant allele.
Comment: TTN: BP4

Women's Health and Genetics/Laboratory Corporation of America, LabCorp
Classification: Likely benign. Last evaluated: 2025-03-03. Review status: criteria provided, single submitter. Criteria: LabCorp Variant Classification Summary - May 2015. Collection method: clinical testing. Allele origin: germline.
Comment: Variant summary: TTN c.66290C>T (p.Thr22097Met) results in a non-conservative amino acid change in the encoded protein sequence. Three of four in-silico tools predict a damaging effect of the variant on protein function. The variant allele was found at a frequency of 0.0001 in 1606360 control chromosomes, including 1 homozygote, and was predominantly reported at a frequency of 0.0009 within the East Asian subpopulation in the gnomAD database. The observed variant frequency within East Asian control individuals in the gnomAD database is approximately 2.3-fold of the estimated maximal expected allele frequency for a pathogenic variant in TTN causing Autosomal Recessive Titinopathy phenotype (0.00039). To our knowledge, no occurrence of c.66290C>T in individuals affected with Autosomal Recessive Titinopathy and no experimental evidence demonstrating its impact on protein function have been reported. ClinVar contains an entry for this variant (Variation ID: 212479). Based on the evidence outlined above, the variant was classified as likely benign.

Ambry Genetics
Classification: Likely benign for Cardiovascular phenotype. Last evaluated: 2019-07-29. Review status: criteria provided, single submitter. Criteria: Ambry Variant Classification Scheme 2023. Collection method: clinical testing. Allele origin: germline.

GeneDx
Classification: Likely benign. Last evaluated: 2019-02-25. Review status: criteria provided, single submitter. Criteria: GeneDx Variant Classification Process June 2021. Collection method: clinical testing. Allele origin: germline. Affected: yes.

Center for Advanced Laboratory Medicine, UC San Diego Health, University of California San Diego
Classification: Uncertain significance for Cardiomyopathy. Last evaluated: 2017-12-15. Review status: criteria provided, single submitter. Criteria: ACMG Guidelines, 2015. Collection method: clinical testing. Allele origin: germline. Affected: yes. Observed: 1 variant allele.

Eurofins Ntd Llc (ga)
Classification: Uncertain significance. Last evaluated: 2017-01-05. Review status: criteria provided, single submitter. Criteria: EGL Classification Definitions 2015. Collection method: clinical testing. Allele origin: germline. Observed: 1 variant allele, 1 heterozygote.

Laboratory for Molecular Medicine, Mass General Brigham Personalized Medicine
Classification: Uncertain significance. Last evaluated: 2016-03-03. Review status: criteria provided, single submitter. Criteria: LMM Criteria. Collection method: clinical testing. Allele origin: germline. Observed: 2 variant alleles.
Comment: The p.Thr22097Met variant in TTN has not been previously reported in individuals with cardiomyopathy, but has been identified in 15/66394 European chromosomes b y the Exome Aggregation Consortium (ExAC; dbSNP rs144398602). Computational prediction tools and conservation analysis do not pr ovide strong support for or against an impact to the protein. In summary, the cl inical significance of the p.Thr22097Met variant is uncertain.

Genetic Services Laboratory, University of Chicago
Classification: Uncertain significance. Last evaluated: 2014-08-06. Review status: criteria provided, single submitter. Criteria: ACMG Guidelines, 2015. Collection method: clinical testing. Allele origin: germline.